The following is an entry in ClinVar:

NM_001184.4(ATR):c.3025G>A (p.Ala1009Thr)

Gene: ATR (ATR checkpoint kinase; minus strand). Cytogenetic location: 3q23.
Variant type: single nucleotide variant.
Coding change: c.3025G>A on transcript NM_001184.4 (MANE Select); coding-DNA position 3025, G replaced by A.
Protein change: p.Ala1009Thr; replaces alanine 1009 with threonine.
Molecular consequence: missense variant.
Genome position (GRCh38, 1-based): chr3:142,549,625, C>T on the plus strand (G>A on the coding strand, the complement: ATR is on the minus strand). VCF-style: chr3-142549625-C-T. GRCh37 (hg19) VCF-style: chr3-142268467-C-T.
Other names: c.2833G>A, p.Ala945Thr (NM_001354579.2); short protein forms A945T, A1009T.
Identifiers: ClinVar variation 970846 (VCV000970846.12), dbSNP rs2034402314, ClinGen allele CA354812505.
Genomic context (GRCh38, chr3:142,549,625, plus strand): 5'-AAATCTCTCTACGATTGACATTTAATTGTTTTCCTAAAGTTCGAATGAGAGCAGAAGCTG[C>T]AGGGCTTGCTTTGGCAGCAAGATCAGGTAGTAGAACTTGTAATGTCCTCTGAAAAAGAAT-3'
Protein context (NP_001175.2, residues 999-1019): LPDLAAKASP[Ala1009Thr]ASALIRTLGK

ClinVar aggregate classification (germline): Uncertain significance. Review status: criteria provided, multiple submitters, no conflicts (2 of 4 stars). 4 submissions from 3 submitters: Uncertain significance (4). Last evaluated 2023-02-08.

Conditions:
Inborn genetic diseases. Identifiers: MedGen C0950123, MeSH D030342.
Familial cutaneous telangiectasia and oropharyngeal predisposition cancer syndrome. Identifiers: Orphanet 313846, MedGen C3281203, MONDO:0013806, OMIM 614564.
Seckel syndrome 1 (SCKL1). Also called: MICROCEPHALIC PRIMORDIAL DWARFISM I. Identifiers: Orphanet 808, MedGen C4551474, MONDO:0008869, OMIM 210600.

Submissions (4):

Genome-Nilou Lab
Classification: Uncertain significance for Seckel syndrome 1. Last evaluated: 2023-02-08. Review status: criteria provided, single submitter. Criteria: ACMG Guidelines, 2015. Collection method: clinical testing. Allele origin: germline.

Genome-Nilou Lab
Classification: Uncertain significance for Familial cutaneous telangiectasia and oropharyngeal predisposition cancer syndrome. Last evaluated: 2023-02-08. Review status: criteria provided, single submitter. Criteria: ACMG Guidelines, 2015. Collection method: clinical testing. Allele origin: germline.

Ambry Genetics
Classification: Uncertain significance for Inborn genetic diseases. Last evaluated: 2022-05-14. Review status: criteria provided, single submitter. Criteria: Ambry Variant Classification Scheme 2023. Collection method: clinical testing. Allele origin: germline.
Comment: The p.A1009T variant (also known as c.3025G>A), located in coding exon 15 of the ATR gene, results from a G to A substitution at nucleotide position 3025. The alanine at codon 1009 is replaced by threonine, an amino acid with similar properties. This amino acid position is conserved. In addition, this alteration is predicted to be tolerated by in silico analysis. Since supporting evidence is limited at this time, the clinical significance of this alteration remains unclear.

Labcorp Genetics (formerly Invitae), Labcorp
Classification: Uncertain significance. Last evaluated: 2019-10-12. Review status: criteria provided, single submitter. Criteria: Invitae Variant Classification Sherloc (09022015). Collection method: clinical testing. Allele origin: germline.
Comment: This variant is not present in population databases (ExAC no frequency). This variant has not been reported in the literature in individuals with ATR-related conditions. Algorithms developed to predict the effect of missense changes on protein structure and function output the following: SIFT: "Tolerated"; PolyPhen-2: "Benign"; Align-GVGD: "Class C0". The threonine amino acid residue is found in multiple mammalian species, suggesting that this missense change does not adversely affect protein function. These predictions have not been confirmed by published functional studies and their clinical significance is uncertain. In summary, the available evidence is currently insufficient to determine the role of this variant in disease. Therefore, it has been classified as a Variant of Uncertain Significance. This sequence change replaces alanine with threonine at codon 1009 of the ATR protein (p.Ala1009Thr). The alanine residue is moderately conserved and there is a small physicochemical difference between alanine and threonine.